The following is an entry in ClinVar:

ClinVar aggregate classification (germline): Benign (1 of 4 stars; one submission).

Conditions:
SLC39A5-related disorder. Also called: SLC39A5-related condition.

gnomAD v4.1: 718 of 1,614,128 alleles (0.044%); highest among the groups gnomAD compares: African/African-American, 0.89%; 6 homozygotes.

Submission:

PreventionGenetics, part of Exact Sciences
Classification: Benign for SLC39A5-related condition. Last evaluated: 2025-07-15. Review status: criteria provided, single submitter. Criteria: ACMG Guidelines, 2015. Collection method: clinical testing. Allele origin: germline.
Comment: This variant is classified as benign based on ACMG/AMP sequence variant interpretation guidelines (Richards et al. 2015 PMID: 25741868, with internal and published modifications).

NM_173596.3(SLC39A5):c.879A>G (p.Gly293=)

Gene: SLC39A5 (solute carrier family 39 member 5; plus strand). Cytogenetic location: 12q13.3.
Variant type: single nucleotide variant.
Coding change: c.879A>G on transcript NM_173596.3 (MANE Select); coding-DNA position 879, A replaced by G.
Protein change: p.Gly293=; no amino-acid change (glycine 293 retained).
Molecular consequence: synonymous variant.
Genome position (GRCh38, 1-based): chr12:56,235,634, A>G. VCF-style: chr12-56235634-A-G. GRCh37 (hg19) VCF-style: chr12-56629418-A-G.
Other names: c.879A>G, p.Gly293= (NM_001135195.2).
Identifiers: ClinVar variation 4989638 (VCV004989638.1).